The following is an entry in ClinVar:

NM_001250.6(CD40):c.413T>C (p.Val138Ala)

Gene: CD40 (CD40 molecule; plus strand). Cytogenetic location: 20q13.12.
Variant type: single nucleotide variant.
Coding change: c.413T>C on transcript NM_001250.6 (MANE Select); coding-DNA position 413, T replaced by C.
Protein change: p.Val138Ala; replaces valine 138 with alanine.
Molecular consequence: missense variant. On other transcripts: intron variant (1).
Genome position (GRCh38, 1-based): chr20:46,123,135, T>C. VCF-style: chr20-46123135-T-C. GRCh37 (hg19) VCF-style: chr20-44751774-T-C.
Other names: c.413T>C, p.Val138Ala (NM_001302753.2, NM_001322421.2, NM_001362758.2 and 1 more transcripts); c.403+379T>C (NM_001322422.2); c.413T>C (NM_001250.4); short protein forms V138A.
Identifiers: ClinVar variation 1409487 (VCV001409487.7), dbSNP rs755938402, ClinGen allele CA9888480.

ClinVar aggregate classification (germline): Uncertain significance. Review status: criteria provided, multiple submitters, no conflicts (2 of 4 stars). 2 submissions from 2 submitters: Uncertain significance (2). Last evaluated 2025-08-06.

Conditions:
Inborn genetic diseases. Identifiers: MedGen C0950123, MeSH D030342.

Allele frequency attached by ClinVar (database versions not stated): gnomAD exomes 0.00001 and 0.00002; ExAC 0.00002.

Submissions (2):

Ambry Genetics
Classification: Uncertain significance for Inborn genetic diseases. Last evaluated: 2025-08-06. Review status: criteria provided, single submitter. Criteria: Ambry Variant Classification Scheme 2023. Collection method: clinical testing. Allele origin: germline.

Labcorp Genetics (formerly Invitae), Labcorp
Classification: Uncertain significance. Last evaluated: 2021-10-11. Review status: criteria provided, single submitter. Criteria: Invitae Variant Classification Sherloc (09022015). Collection method: clinical testing. Allele origin: germline.
Comment: This variant has not been reported in the literature in individuals affected with CD40-related conditions. This variant is present in population databases (rs755938402, ExAC 0.01%). This sequence change replaces valine with alanine at codon 138 of the CD40 protein (p.Val138Ala). The valine residue is weakly conserved and there is a small physicochemical difference between valine and alanine. Algorithms developed to predict the effect of missense changes on protein structure and function output the following: SIFT: "Tolerated"; PolyPhen-2: "Benign"; Align-GVGD: "Class C0". The alanine amino acid residue is found in multiple mammalian species, which suggests that this missense change does not adversely affect protein function. In summary, the available evidence is currently insufficient to determine the role of this variant in disease. Therefore, it has been classified as a Variant of Uncertain Significance.